The following is an entry in ClinVar:

NM_013444.4(UBQLN2):c.278A>G (p.His93Arg)

Gene: UBQLN2 (ubiquilin 2; plus strand). Cytogenetic location: Xp11.21.
Variant type: single nucleotide variant.
Coding change: c.278A>G on transcript NM_013444.4 (MANE Select); coding-DNA position 278, A replaced by G.
Protein change: p.His93Arg; replaces histidine 93 with arginine.
Molecular consequence: missense variant.
Genome position (GRCh38, 1-based): chrX:56,564,151, A>G. VCF-style: chrX-56564151-A-G. GRCh37 (hg19) VCF-style: chrX-56590584-A-G.
Other names: short protein forms H93R.
Identifiers: ClinVar variation 1310943 (VCV001310943.6), dbSNP rs2146635699, ClinGen allele CA413377978.

ClinVar aggregate classification (germline): Uncertain significance. Review status: criteria provided, multiple submitters, no conflicts (2 of 4 stars). 2 submissions from 2 submitters: Uncertain significance (2). Last evaluated 2024-02-21.

Conditions:
Amyotrophic lateral sclerosis type 15. Also called: AMYOTROPHIC LATERAL SCLEROSIS 15 WITH FRONTOTEMPORAL DEMENTIA. Identifiers: Orphanet 803, MedGen C3275459, MONDO:0010459, OMIM 300857.

Allele frequency attached by ClinVar (database versions not stated): gnomAD exomes below 0.00001.

Submissions (2):

GeneDx
Classification: Uncertain significance. Last evaluated: 2024-02-21. Review status: criteria provided, single submitter. Criteria: GeneDx Variant Classification Process June 2021. Collection method: clinical testing. Allele origin: germline. Affected: yes.
Comment: Not observed in large population cohorts (gnomAD); In silico analysis, which includes protein predictors and evolutionary conservation, supports that this variant does not alter protein structure/function; Has not been previously published as pathogenic or benign to our knowledge

Labcorp Genetics (formerly Invitae), Labcorp
Classification: Uncertain significance for Amyotrophic lateral sclerosis type 15. Last evaluated: 2022-11-23. Review status: criteria provided, single submitter. Criteria: Invitae Variant Classification Sherloc (09022015). Collection method: clinical testing. Allele origin: germline.
Comment: In summary, the available evidence is currently insufficient to determine the role of this variant in disease. Therefore, it has been classified as a Variant of Uncertain Significance. Advanced modeling of protein sequence and biophysical properties (such as structural, functional, and spatial information, amino acid conservation, physicochemical variation, residue mobility, and thermodynamic stability) performed at Invitae indicates that this missense variant is not expected to disrupt UBQLN2 protein function. ClinVar contains an entry for this variant (Variation ID: 1310943). This variant has not been reported in the literature in individuals affected with UBQLN2-related conditions. This variant is not present in population databases (gnomAD no frequency). This sequence change replaces histidine, which is basic and polar, with arginine, which is basic and polar, at codon 93 of the UBQLN2 protein (p.His93Arg).